The following is an entry in ClinVar:

ClinVar aggregate classification (germline): Likely benign. Review status: criteria provided, single submitter (1 of 4 stars). 2 submissions from 2 submitters: Likely benign (1). 1 of the submissions does not count toward it. Last evaluated 2023-07-08.

Conditions:
SGCG-related disorder. Also called: SGCG-related condition.
Autosomal recessive limb-girdle muscular dystrophy type 2C (LGMDR5). Also called: MUSCULAR DYSTROPHY, DUCHENNE-LIKE; MUSCULAR DYSTROPHY, LIMB-GIRDLE, AUTOSOMAL RECESSIVE 5. Identifiers: Orphanet 353, MedGen C0410173, MONDO:0009677, OMIM 253700. Disease mechanism: Affects gamma-sarcoglycan and also disrupts the integrity of the entire sarcoglycan complex..

Allele frequency attached by ClinVar (database versions not stated): gnomAD 0.00004.

Submissions (2):

Labcorp Genetics (formerly Invitae), Labcorp
Classification: Likely benign for Autosomal recessive limb-girdle muscular dystrophy type 2C. Last evaluated: 2023-07-08. Review status: criteria provided, single submitter. Criteria: Invitae Variant Classification Sherloc (09022015). Collection method: clinical testing. Allele origin: germline.

PreventionGenetics, part of Exact Sciences
Classification: Likely benign for SGCG-related condition. Last evaluated: 2022-06-11. Review status: no assertion criteria provided. Collection method: clinical testing. Allele origin: germline. Not counted in ClinVar's aggregate classification.
Comment: This variant is classified as likely benign based on ACMG/AMP sequence variant interpretation guidelines (Richards et al. 2015 PMID: 25741868, with internal and published modifications).

NM_000231.3(SGCG):c.579-15_579-12dup

Gene: SGCG (sarcoglycan gamma; plus strand). Cytogenetic location: 13q12.12.
Variant type: Duplication.
Coding change: c.579-15_579-12dup on transcript NM_000231.3 (MANE Select); 15 bases into the intron before coding-DNA position 579 through 12 bases into the intron before coding-DNA position 579, 4 bases duplicated (TTTT; older notation c.579-15_579-12dupTTTT).
Molecular consequence: intron variant.
Genome position (GRCh38, 1-based): chr13:23,320,622-23,320,625, TTTT duplicated. VCF-style (leftmost placement, unchanged base first): chr13-23320621-C-CTTTT. GRCh37 (hg19) VCF-style: chr13-23894760-C-CTTTT.
Other names: c.579-15_579-12dupTTTT (NM_000231.2); c.633-15_633-12dup (NM_001378244.1); c.579-15_579-12dup (NM_001378245.1, NM_001378246.1).
Identifiers: ClinVar variation 2898314 (VCV002898314.5), dbSNP rs1178505346, ClinGen allele CA608625503.